The following is an entry in ClinVar:

NM_007194.4(CHEK2):c.46A>C (p.Ser16Arg)

Gene: CHEK2 (checkpoint kinase 2; minus strand). Cytogenetic location: 22q12.1.
Variant type: single nucleotide variant.
Coding change: c.46A>C on transcript NM_007194.4 (MANE Select); coding-DNA position 46, A replaced by C.
Protein change: p.Ser16Arg; replaces serine 16 with arginine.
Molecular consequence: missense variant.
Genome position (GRCh38, 1-based): chr22:28,734,676, T>G on the plus strand (A>C on the coding strand, the complement: CHEK2 is on the minus strand). VCF-style: chr22-28734676-T-G. GRCh37 (hg19) VCF-style: chr22-29130664-T-G.
Other names: c.46A>C, p.Ser16Arg (NM_001005735.3, NM_001349956.3, NM_145862.3); c.-732A>C (NM_001257387.3); short protein forms S16R.
Identifiers: ClinVar variation 481719 (VCV000481719.19), dbSNP rs1426424086, ClinGen allele CA411091895.

ClinVar aggregate classification (germline): Uncertain significance. Review status: criteria provided, multiple submitters, no conflicts (2 of 4 stars). 4 submissions from 4 submitters: Uncertain significance (4). Last evaluated 2025-03-17.

Conditions:
Hereditary cancer-predisposing syndrome. Also called: Neoplastic Syndromes, Hereditary; Tumor predisposition; Hereditary Cancer Syndrome; Hereditary neoplastic syndrome. Identifiers: Orphanet 140162, MedGen C0027672, MeSH D009386, MONDO:0015356.
Familial cancer of breast. Also called: BREAST CANCER, FAMILIAL; Hereditary breast cancer; hereditary breast carcinoma. Identifiers: Orphanet 227535, MedGen C0346153, MONDO:0016419, OMIM 114480. Disease mechanism: loss of function.

Allele frequency attached by ClinVar (database versions not stated): gnomAD exomes below 0.00001.
gnomAD v4.1: 3 of 1,613,888 alleles (0.00019%); highest among the groups gnomAD compares: Admixed American, 0.005%; no homozygotes.

Submissions (4):

Labcorp Genetics (formerly Invitae), Labcorp
Classification: Uncertain significance for Familial cancer of breast. Last evaluated: 2025-03-17. Review status: criteria provided, single submitter. Criteria: Invitae Variant Classification Sherloc (09022015). Collection method: clinical testing. Allele origin: germline.
Comment: This sequence change replaces serine, which is neutral and polar, with arginine, which is basic and polar, at codon 16 of the CHEK2 protein (p.Ser16Arg). This variant is present in population databases (no rsID available, gnomAD 0.003%). This variant has not been reported in the literature in individuals affected with CHEK2-related conditions. ClinVar contains an entry for this variant (Variation ID: 481719). An algorithm developed to predict the effect of missense changes on protein structure and function (PolyPhen-2) suggests that this variant is likely to be tolerated. In summary, the available evidence is currently insufficient to determine the role of this variant in disease. Therefore, it has been classified as a Variant of Uncertain Significance.

Ambry Genetics
Classification: Uncertain significance for Hereditary cancer-predisposing syndrome. Last evaluated: 2024-12-05. Review status: criteria provided, single submitter. Criteria: Ambry Variant Classification Scheme 2023. Collection method: clinical testing. Allele origin: germline.
Comment: The p.S16R variant (also known as c.46A>C), located in coding exon 1 of the CHEK2 gene, results from an A to C substitution at nucleotide position 46. The serine at codon 16 is replaced by arginine, an amino acid with dissimilar properties. This amino acid position is poorly conserved in available vertebrate species. In addition, this alteration is predicted to be tolerated by in silico analysis. Since supporting evidence is limited at this time, the clinical significance of this alteration remains unclear.

GeneDx
Classification: Uncertain significance. Last evaluated: 2019-05-28. Review status: criteria provided, single submitter. Criteria: GeneDx Variant Classification Process June 2021. Collection method: clinical testing. Allele origin: germline. Affected: yes.
Comment: Not observed at a significant frequency in large population cohorts (Lek et al., 2016); Has not been previously published as pathogenic or benign to our knowledge

Color Diagnostics, LLC DBA Color Health
Classification: Uncertain significance for Hereditary cancer-predisposing syndrome. Last evaluated: 2018-12-13. Review status: criteria provided, single submitter. Criteria: ACMG Guidelines, 2015. Collection method: clinical testing. Allele origin: germline.